The following is an entry in ClinVar:

NM_001291303.3(FAT4):c.1195C>A (p.Leu399Ile)

Gene: FAT4 (FAT atypical cadherin 4; plus strand). Cytogenetic location: 4q28.1.
Variant type: single nucleotide variant.
Coding change: c.1195C>A on transcript NM_001291303.3 (MANE Select); coding-DNA position 1195, C replaced by A.
Protein change: p.Leu399Ile; replaces leucine 399 with isoleucine.
Molecular consequence: missense variant.
Genome position (GRCh38, 1-based): chr4:125,317,606, C>A. VCF-style: chr4-125317606-C-A. GRCh37 (hg19) VCF-style: chr4-126238761-C-A.
Other names: c.1195C>A, p.Leu399Ile (NM_001291285.3, NM_024582.6); short protein forms L399I.
Identifiers: ClinVar variation 1939362 (VCV001939362.4), dbSNP rs2530425891, ClinGen allele CA358117392.

ClinVar aggregate classification (germline): Uncertain significance (1 of 4 stars; one submission).

Submission:

Labcorp Genetics (formerly Invitae), Labcorp
Classification: Uncertain significance. Last evaluated: 2021-12-28. Review status: criteria provided, single submitter. Criteria: Invitae Variant Classification Sherloc (09022015). Collection method: clinical testing. Allele origin: germline.
Comment: This variant is not present in population databases (gnomAD no frequency). This sequence change replaces leucine, which is neutral and non-polar, with isoleucine, which is neutral and non-polar, at codon 399 of the FAT4 protein (p.Leu399Ile). This variant has not been reported in the literature in individuals affected with FAT4-related conditions. Advanced modeling of protein sequence and biophysical properties (such as structural, functional, and spatial information, amino acid conservation, physicochemical variation, residue mobility, and thermodynamic stability) performed at Invitae indicates that this missense variant is not expected to disrupt FAT4 protein function. In summary, the available evidence is currently insufficient to determine the role of this variant in disease. Therefore, it has been classified as a Variant of Uncertain Significance.